The following is an entry in ClinVar:

NM_018489.3(ASH1L):c.2141_2144del (p.Gly714fs)

Gene: ASH1L (ASH1 like histone lysine methyltransferase; minus strand). Cytogenetic location: 1q22.
Variant type: Deletion.
Coding change: c.2141_2144del on transcript NM_018489.3 (MANE Select); coding-DNA positions 2141 to 2144, 4 bases deleted (GAAG; older notation c.2141_2144delGAAG).
Protein change: p.Gly714fs; shifts the reading frame from glycine 714.
Molecular consequence: frameshift variant.
Genome position (GRCh38, 1-based): chr1:155,480,726-155,480,729, CTTC deleted on the plus strand (GAAG on the coding strand, the reverse complement: ASH1L is on the minus strand); deleting any 4 consecutive bases within chr1:155,480,726-155,480,732 gives the same sequence; the c. name uses the placement nearest the transcript's 3' end. VCF-style (leftmost placement, unchanged base first): chr1-155480725-TCTTC-T. GRCh37 (hg19) VCF-style: chr1-155450516-TCTTC-T.
Other names: c.2141_2144del, p.Gly714fs (NM_001366177.2); c.2141_2144del (NM_018489.2); short protein forms G714fs.
Identifiers: ClinVar variation 3777187 (VCV003777187.1).

ClinVar aggregate classification (germline): Likely pathogenic (1 of 4 stars; one submission).

Conditions:
Intellectual developmental disorder, autosomal dominant 52. Also called: Intellectual disability, autosomal dominant 52; Mental retardation, autosomal dominant 52. Identifiers: MedGen C4540478, MONDO:0030918, OMIM 617796.

Submission:

University of Washington Department of Laboratory Medicine, University of Washington
Classification: Likely pathogenic for Intellectual developmental disorder, autosomal dominant 52. Last evaluated: 2022-10-19. Review status: criteria provided, single submitter. Criteria: ACMG Guidelines, 2015. Collection method: clinical testing. Allele origin: unknown. Affected: yes.
Comment: The p.Gly714Glufs*20 variant in the ASH1L gene has not been previously reported in association with disease. This variant was absent from large population databases, including the Genome Aggregation Database. The p.Gly714Glufs*20 variant leads to a premature termination codon in exon 3 of 28 exons and is predicted to undergo nonsense-mediated decay resulting in absent protein expression. These predictions have not been tested directly. Heterozygous loss of function leading to haploinsufficiency of the ASH1L gene is an established mechanism of disease. Using ACMG guidelines, this variant was classified as likely pathogenic for autosomal dominant intellectual developmental disorder (ACMG evidence codes used: PVS1, PM2_supporting).